The following is an entry in ClinVar:

ClinVar aggregate classification (germline): Likely pathogenic (1 of 4 stars; one submission).

Submission:

Labcorp Genetics (formerly Invitae), Labcorp
Classification: Likely pathogenic. Last evaluated: 2025-09-22. Review status: criteria provided, single submitter. Criteria: Invitae Variant Classification Sherloc (09022015). Collection method: clinical testing. Allele origin: germline.
Comment: This sequence change replaces glycine, which is neutral and non-polar, with cysteine, which is neutral and slightly polar, at codon 963 of the COL2A1 protein (p.Gly963Cys). This variant is not present in population databases (gnomAD no frequency). This variant has not been reported in the literature in individuals affected with COL2A1-related conditions. Invitae Evidence Modeling of protein sequence and biophysical properties (such as structural, functional, and spatial information, amino acid conservation, physicochemical variation, residue mobility, and thermodynamic stability) indicates that this missense variant is expected to disrupt COL2A1 protein function with a positive predictive value of 95%. This variant disrupts the triple helix domain of COL2A1. Glycine residues within the Gly-Xaa-Yaa repeats of the triple helix domain are required for the structure and stability of fibrillar collagens (PMID: 7695699, 8218237, 19344236). In COL2A1, variants affecting these glycine residues are significantly enriched in individuals with disease (PMID: 9016532, 17078022) compared to the general population (ExAC). In summary, the currently available evidence indicates that the variant is pathogenic, but additional data are needed to prove that conclusively. Therefore, this variant has been classified as Likely Pathogenic.

Literature cited by the submitters: PubMed 7695699; PubMed 8218237; PubMed 19344236; PubMed 9016532; PubMed 17078022.

NM_001844.5(COL2A1):c.2887G>T (p.Gly963Cys)

Gene: COL2A1 (collagen type II alpha 1 chain; minus strand). Cytogenetic location: 12q13.11.
Variant type: single nucleotide variant.
Coding change: c.2887G>T on transcript NM_001844.5 (MANE Select); coding-DNA position 2887, G replaced by T.
Protein change: p.Gly963Cys; replaces glycine 963 with cysteine.
Molecular consequence: missense variant.
Genome position (GRCh38, 1-based): chr12:47,978,605, C>A on the plus strand (G>T on the coding strand, the complement: COL2A1 is on the minus strand). VCF-style: chr12-47978605-C-A. GRCh37 (hg19) VCF-style: chr12-48372388-C-A.
Other names: c.2680G>T, p.Gly894Cys (NM_033150.3); short protein forms G894C, G963C.
Identifiers: ClinVar variation 4747055 (VCV004747055.1).